The following is an entry in ClinVar:

NM_000059.4(BRCA2):c.4465A>T (p.Lys1489Ter)

Gene: BRCA2 (BRCA2 DNA repair associated; plus strand). Cytogenetic location: 13q13.1.
Variant type: single nucleotide variant.
Coding change: c.4465A>T on transcript NM_000059.4 (MANE Select); coding-DNA position 4465, A replaced by T.
Protein change: p.Lys1489Ter; replaces lysine 1489 with a stop codon.
Molecular consequence: nonsense.
Genome position (GRCh38, 1-based): chr13:32,338,820, A>T. VCF-style: chr13-32338820-A-T. GRCh37 (hg19) VCF-style: chr13-32912957-A-T.
Other names: short protein forms K1489*.
Identifiers: ClinVar variation 254535 (VCV000254535.5), dbSNP rs886038104, ClinGen allele CA10586523.

ClinVar aggregate classification (germline): Pathogenic. Review status: reviewed by expert panel (3 of 4 stars). 2 submissions from 2 submitters: Pathogenic (1). 1 of the submissions does not count toward it. Last evaluated 2016-09-08.

Conditions:
Breast-ovarian cancer, familial, susceptibility to, 2 (BROVCA2). Also called: BRCA2 Hereditary Breast and Ovarian Cancer. Identifiers: Orphanet 145, MedGen C2675520, MONDO:0012933, OMIM 612555. Disease mechanism: loss of function.

Submissions (2):

Evidence-based Network for the Interpretation of Germline Mutant Alleles (ENIGMA)
Classification: Pathogenic for Breast-ovarian cancer, familial, susceptibility to, 2. Last evaluated: 2016-09-08. Review status: reviewed by expert panel. Criteria: ENIGMA BRCA1/2 Classification Criteria (2015). Collection method: curation. Allele origin: germline.
Comment: Variant allele predicted to encode a truncated non-functional protein.

Myriad Genetics, Inc.
Classification: Pathogenic for Breast-ovarian cancer, familial, susceptibility to, 2. Last evaluated: 2026-09-24. Review status: criteria provided, single submitter. Criteria: Myriad Autosomal Dominant, Autosomal Recessive and X-Linked Classification Criteria (2023). Collection method: clinical testing. Allele origin: unknown. Not counted in ClinVar's aggregate classification.
Comment: This variant is considered pathogenic. This variant creates a termination codon and is predicted to result in premature protein truncation.